The following is an entry in ClinVar:

NM_001370259.2(MEN1):c.383G>C (p.Ser128Thr)

Gene: MEN1 (menin 1; minus strand). Cytogenetic location: 11q13.1.
Variant type: single nucleotide variant.
Coding change: c.383G>C on transcript NM_001370259.2 (MANE Select); coding-DNA position 383, G replaced by C.
Protein change: p.Ser128Thr; replaces serine 128 with threonine.
Molecular consequence: missense variant. On other transcripts: non-coding transcript variant (4).
Genome position (GRCh38, 1-based): chr11:64,809,727, C>G on the plus strand (G>C on the coding strand, the complement: MEN1 is on the minus strand). VCF-style: chr11-64809727-C-G. GRCh37 (hg19) VCF-style: chr11-64577199-C-G.
Other names: c.383G>C, p.Ser128Thr (NM_000244.4, NM_001370251.2, NM_001370260.2 and 20 more transcripts); short protein forms S128T.
Identifiers: ClinVar variation 4826696 (VCV004826696.1).

ClinVar aggregate classification (germline): Uncertain significance (1 of 4 stars; one submission).

Conditions:
Hereditary cancer-predisposing syndrome. Also called: Neoplastic Syndromes, Hereditary; Tumor predisposition; Hereditary Cancer Syndrome; Hereditary neoplastic syndrome. Identifiers: Orphanet 140162, MedGen C0027672, MeSH D009386, MONDO:0015356.

Submission:

Ambry Genetics
Classification: Uncertain significance for Hereditary cancer-predisposing syndrome. Last evaluated: 2026-02-23. Review status: criteria provided, single submitter. Criteria: Ambry Variant Classification Scheme 2023. Collection method: clinical testing. Allele origin: germline.
Comment: The p.S128T variant (also known as c.383G>C), located in coding exon 1 of the MEN1 gene, results from a G to C substitution at nucleotide position 383. The serine at codon 128 is replaced by threonine, an amino acid with similar properties. This amino acid position is conserved. In addition, the in silico prediction for this alteration is inconclusive. Based on the available evidence, the clinical significance of this variant remains unclear.